The following is an entry in ClinVar:

NM_004360.5(CDH1):c.1008+5G>A

Gene: CDH1 (cadherin 1; plus strand). Cytogenetic location: 16q22.1.
Variant type: single nucleotide variant.
Coding change: c.1008+5G>A on transcript NM_004360.5 (MANE Select); 5 bases into the intron after coding-DNA position 1008, G replaced by A.
Molecular consequence: intron variant.
Genome position (GRCh38, 1-based): chr16:68,811,864, G>A. VCF-style: chr16-68811864-G-A. GRCh37 (hg19) VCF-style: chr16-68845767-G-A.
Other names: c.-608+5G>A (NM_001317185.2); c.-812+5G>A (NM_001317186.2); c.1008+5G>A (NM_001317184.2).
Identifiers: ClinVar variation 3722735 (VCV003722735.2).

ClinVar aggregate classification (germline): Uncertain significance (1 of 4 stars; one submission).

Conditions:
Hereditary diffuse gastric adenocarcinoma (HDGC). Also called: DIFFUSE GASTRIC AND LOBULAR BREAST CANCER SYNDROME. Identifiers: Orphanet 26106, MedGen C1708349, MONDO:0007648, OMIM 137215.

gnomAD v4.1: 1 of 1,613,996 alleles (0.000062%); highest among the groups gnomAD compares: Admixed American, 0.0017%; no homozygotes.

Submission:

Labcorp Genetics (formerly Invitae), Labcorp
Classification: Uncertain significance for Hereditary diffuse gastric adenocarcinoma. Last evaluated: 2024-10-11. Review status: criteria provided, single submitter. Criteria: Invitae Variant Classification Sherloc (09022015). Collection method: clinical testing. Allele origin: germline.
Comment: This sequence change falls in intron 7 of the CDH1 gene. It does not directly change the encoded amino acid sequence of the CDH1 protein. It affects a nucleotide within the consensus splice site. This variant is not present in population databases (gnomAD no frequency). This variant has not been reported in the literature in individuals affected with CDH1-related conditions. Variants that disrupt the consensus splice site are a relatively common cause of aberrant splicing (PMID: 17576681, 9536098). Algorithms developed to predict the effect of sequence changes on RNA splicing suggest that this variant may disrupt the consensus splice site. In summary, the available evidence is currently insufficient to determine the role of this variant in disease. Therefore, it has been classified as a Variant of Uncertain Significance.

Literature cited by the submitters: PubMed 17576681; PubMed 9536098.